The following is an entry in ClinVar:

NM_001429.4(EP300):c.4693A>T (p.Arg1565Trp)

Gene: EP300 (E1A binding protein p300; plus strand). Cytogenetic location: 22q13.2.
Variant type: single nucleotide variant.
Coding change: c.4693A>T on transcript NM_001429.4 (MANE Select); coding-DNA position 4693, A replaced by T.
Protein change: p.Arg1565Trp; replaces arginine 1565 with tryptophan.
Molecular consequence: missense variant.
Genome position (GRCh38, 1-based): chr22:41,173,698, A>T. VCF-style: chr22-41173698-A-T. GRCh37 (hg19) VCF-style: chr22-41569702-A-T.
Other names: c.4615A>T, p.Arg1539Trp (NM_001362843.2); short protein forms R1539W, R1565W.
Identifiers: ClinVar variation 3347569 (VCV003347569.1).
Genomic context (GRCh38, chr22:41,173,698, plus strand): 5'-AGCAAAAATGCTAAAAAGAAGAATAATAAGAAAACCAGCAAAAATAAGAGCAGCCTGAGT[A>T]GGGGCAACAAGAAGAAACCCGGGATGCCCAATGTATCTAACGACCTCTCACAGAAACTAT-3'
Protein context (NP_001420.2, residues 1555-1575): KTSKNKSSLS[Arg1565Trp]GNKKKPGMPN

ClinVar aggregate classification (germline): Uncertain significance (0 of 4 stars; one submission).

Conditions:
EP300-related disorder. Also called: EP300-related disorders; EP300-related condition.

Submission:

PreventionGenetics, part of Exact Sciences
Classification: Uncertain significance for EP300-related condition. Last evaluated: 2024-08-06. Review status: no assertion criteria provided. Collection method: clinical testing. Allele origin: germline.
Comment: The EP300 c.4693A>T variant is predicted to result in the amino acid substitution p.Arg1565Trp. To our knowledge, this variant has not been reported in the literature or in a large population database, indicating this variant is rare. At this time, the clinical significance of this variant is uncertain due to the absence of conclusive functional and genetic evidence.